The following is an entry in ClinVar:

ClinVar aggregate classification (germline): Pathogenic/Likely pathogenic. Review status: criteria provided, multiple submitters, no conflicts (2 of 4 stars). 2 submissions from 2 submitters: Pathogenic (1); Likely pathogenic (1). Last evaluated 2026-08-06.

Conditions:
EPHB4-related disorder. Also called: EPHB4-related condition; EPHB4-related disorders.
Lymphatic malformation 7 (LMPHM7). Also called: Hydrops fetalis, nonimmune, and/or atrial septal defect, susceptibility to. Identifiers: MedGen C4310629, MONDO:0015009, OMIM 617300.

Allele frequency attached by ClinVar (database versions not stated): gnomAD exomes below 0.00001.
gnomAD v4.1: 1 of 1,468,560 alleles (0.000068%); highest among the groups gnomAD compares: Non-Finnish European, 0.00009%; no homozygotes.

Submissions (2):

OLLIN Analises Genomicas, OLLIN
Classification: Pathogenic for Lymphatic malformation 7. Last evaluated: 2026-08-06. Review status: criteria provided, single submitter. Criteria: ACMG Guidelines 2015 PMID 25741868. Collection method: clinical testing. Allele origin: germline. Inheritance: Autosomal dominant inheritance.
Comment: This variant, located at the canonical splicing site (splice acceptor), has been reported in ClinVar (accession VCV002630834.1) and in gnomAD with an allele frequency of 0.000068%. However, to our knowledge, it has not been reported in the scientific literature. This variant is predicted to disrupt a canonical splice site, potentially leading to exon skipping, mRNA degradation via nonsense-mediated decay (NMD), or production of a truncated protein. Another pathogenic variant has been reported to result in the same amino acid substitution. According to the currently available evidence, this variant has been classified as pathogenic (PVS1, PS1_P, PM2_P).

PreventionGenetics, part of Exact Sciences
Classification: Likely pathogenic for EPHB4-related condition. Last evaluated: 2025-03-07. Review status: criteria provided, single submitter. Criteria: ACMG Guidelines, 2015. Collection method: clinical testing. Allele origin: germline.
Comment: The EPHB4 c.2485-1G>A variant is predicted to disrupt the AG splice acceptor site and interfere with normal splicing. To our knowledge, this variant has not been reported in the literature or in a large population database (gnomAD), indicating this variant is rare. Variants that disrupt the consensus splice acceptor site in EPHB4 are expected to be pathogenic. This variant is interpreted as likely pathogenic.

NM_004444.5(EPHB4):c.2485-1G>A

Genes: EPHB4 (EPH receptor B4; minus strand), LOC126860124 (CDK7 strongly-dependent group 2 enhancer GRCh37_chr7:100403701-100404900; plus strand). Cytogenetic location: 7q22.1.
Variant type: single nucleotide variant.
Coding change: c.2485-1G>A on transcript NM_004444.5 (MANE Select); the canonical splice acceptor site of the intron before coding-DNA position 2485, G replaced by A.
Molecular consequence: splice acceptor variant.
Genome position (GRCh38, 1-based): chr7:100,805,695, C>T on the plus strand (G>A on the coding strand, the complement: EPHB4 is on the minus strand). VCF-style: chr7-100805695-C-T. GRCh37 (hg19) VCF-style: chr7-100403317-C-T.
Identifiers: ClinVar variation 2630834 (VCV002630834.2), dbSNP rs112410846, ClinGen allele CA368567301.
Genomic context (GRCh38, chr7:100,805,695, plus strand): 5'-GGAGGTGGGACAGTCTGGGGGCGGGGGCAGCCGGTAGTCCTGTTCAATGGCATTGATCAC[C>T]TGGAAAGAGGGGAAGAAGCTCTGGGTGAGGCTGTCCAGGAAAAGCAAAGATGCTAACAGG-3'